The following is an entry in ClinVar:

NM_004463.3(FGD1):c.26del (p.Gly9fs)

Gene: FGD1 (FYVE, RhoGEF and PH domain containing 1; minus strand). Cytogenetic location: Xp11.22.
Variant type: Deletion.
Coding change: c.26del on transcript NM_004463.3 (MANE Select); coding-DNA position 26, one base deleted (G; older notation c.26delG).
Protein change: p.Gly9fs; shifts the reading frame from glycine 9.
Molecular consequence: frameshift variant.
Genome position (GRCh38, 1-based): chrX:54,495,407, C deleted on the plus strand (G on the coding strand, the reverse complement: FGD1 is on the minus strand); the first of 6 consecutive C bases (chrX:54,495,407-54,495,412); deleting any one gives the same sequence. VCF-style (leftmost placement, unchanged base first): chrX-54495406-GC-G. GRCh37 (hg19) VCF-style: chrX-54521839-GC-G.
Other names: short protein forms G9fs.
Identifiers: ClinVar variation 4978880 (VCV004978880.1).
Genomic context (GRCh38, chrX:54,495,406, plus strand): 5'-GGCCGGCGGAGCGGCGCCCGGCGGGTTCGTGGCCGGGTGTTCGGGCTCCGAAGGCCCGGC[GC>G]CCCCCGGGGCTCGGTGGCCATGCATGGTCCGGGCCTGGGCGCGGGGCCCGAGCTCCCCGC-3'

ClinVar aggregate classification (germline): Likely pathogenic (1 of 4 stars; one submission).

Conditions:
FGD1-related disorder. Also called: FGD1-related disorders; FGD1-related condition.

Submission:

PreventionGenetics, part of Exact Sciences
Classification: Likely pathogenic for FGD1-related condition. Last evaluated: 2025-12-22. Review status: criteria provided, single submitter. Criteria: ACMG Guidelines, 2015. Collection method: clinical testing. Allele origin: germline.
Comment: The FGD1 c.26delG variant is predicted to result in a frameshift and premature protein termination (p.Gly9Alafs*115). To our knowledge, this variant has not been reported in the literature or in a large population database (gnomAD), indicating this variant is rare. Frameshift variants in FGD1 are expected to be pathogenic. This variant is interpreted as likely pathogenic.